The following is an entry in ClinVar:

NM_000051.4(ATM):c.5089A>C (p.Thr1697Pro)

Gene: ATM (ATM serine/threonine kinase; plus strand). Cytogenetic location: 11q22.3.
Variant type: single nucleotide variant.
Coding change: c.5089A>C on transcript NM_000051.4 (MANE Select); coding-DNA position 5089, A replaced by C.
Protein change: p.Thr1697Pro; replaces threonine 1697 with proline.
Molecular consequence: missense variant.
Genome position (GRCh38, 1-based): chr11:108,299,797, A>C. VCF-style: chr11-108299797-A-C. GRCh37 (hg19) VCF-style: chr11-108170524-A-C.
Other names: c.5089A>C, p.Thr1697Pro (NM_001351834.2); short protein forms T1697P.
Identifiers: ClinVar variation 1313189 (VCV001313189.6), dbSNP rs142455912, ClinGen allele CA382540671.

ClinVar aggregate classification (germline): Uncertain significance. Review status: criteria provided, multiple submitters, no conflicts (2 of 4 stars). 3 submissions from 3 submitters: Uncertain significance (3). Last evaluated 2026-01-11.

Conditions:
Hereditary cancer-predisposing syndrome. Also called: Neoplastic Syndromes, Hereditary; Hereditary Cancer Syndrome; Tumor predisposition; Hereditary neoplastic syndrome. Identifiers: Orphanet 140162, MedGen C0027672, MeSH D009386, MONDO:0015356.
Ataxia-telangiectasia syndrome (AT). Also called: Ataxia telangiectasia (A-T); LOUIS-BAR SYNDROME; AT, COMPLEMENTATION GROUP C; ATAXIA-TELANGIECTASIA, COMPLEMENTATION GROUP A; ATAXIA-TELANGIECTASIA, FRESNO VARIANT; Ataxia-telangiectasia. Identifiers: Orphanet 100, MedGen C0004135, MONDO:0008840, OMIM 208900.

gnomAD v4.1: 3 of 1,614,040 alleles (0.00019%); highest among the groups gnomAD compares: South Asian, 0.0033%; no homozygotes.

Submissions (3):

Labcorp Genetics (formerly Invitae), Labcorp
Classification: Uncertain significance for Ataxia-telangiectasia syndrome. Last evaluated: 2026-01-11. Review status: criteria provided, single submitter. Criteria: Invitae Variant Classification Sherloc (09022015). Collection method: clinical testing. Allele origin: germline.
Comment: This sequence change replaces threonine, which is neutral and polar, with proline, which is neutral and non-polar, at codon 1697 of the ATM protein (p.Thr1697Pro). This variant is not present in population databases (gnomAD no frequency). This variant has not been reported in the literature in individuals affected with ATM-related conditions. ClinVar contains an entry for this variant (Variation ID: 1313189). Invitae Evidence Modeling of protein sequence and biophysical properties (such as structural, functional, and spatial information, amino acid conservation, physicochemical variation, residue mobility, and thermodynamic stability) indicates that this missense variant is not expected to disrupt ATM protein function with a negative predictive value of 95%. RNA analysis performed to evaluate the impact of this missense change on mRNA splicing indicates it does not significantly alter splicing (internal data). In summary, the available evidence is currently insufficient to determine the role of this variant in disease. Therefore, it has been classified as a Variant of Uncertain Significance.

Ambry Genetics
Classification: Uncertain significance for Hereditary cancer-predisposing syndrome. Last evaluated: 2024-03-22. Review status: criteria provided, single submitter. Criteria: Ambry Variant Classification Scheme 2023. Collection method: clinical testing. Allele origin: germline.
Comment: The p.T1697P variant (also known as c.5089A>C), located in coding exon 33 of the ATM gene, results from an A to C substitution at nucleotide position 5089. The threonine at codon 1697 is replaced by proline, an amino acid with highly similar properties. This amino acid position is not well conserved in available vertebrate species. In addition, this alteration is predicted to be tolerated by in silico analysis. Based on the available evidence, the clinical significance of this alteration remains unclear.

GeneDx
Classification: Uncertain significance. Last evaluated: 2020-09-11. Review status: criteria provided, single submitter. Criteria: GeneDx Variant Classification Process June 2021. Collection method: clinical testing. Allele origin: germline. Affected: yes.
Comment: Not observed in large population cohorts (Lek 2016); In silico analysis supports that this missense variant does not alter protein structure/function; Has not been previously published as pathogenic or benign to our knowledge